The following is an entry in ClinVar:

NM_003809.3(TNFSF12):c.205_207dup (p.Ser69_Glu70insSer)

Genes: TNFSF12 (TNF superfamily member 12; plus strand), TNFSF12-TNFSF13 (TNFSF12-TNFSF13 readthrough; plus strand). Cytogenetic location: 17p13.1.
Variant type: Duplication.
Coding change: c.205_207dup on transcript NM_003809.3 (MANE Select); coding-DNA positions 205 to 207, 3 bases duplicated (TCG; older notation c.205_207dupTCG).
Protein change: p.Ser69_Glu70insSer.
Molecular consequence: inframe insertion. On other transcripts: non-coding transcript variant (1).
Genome position (GRCh38, 1-based): chr17:7,549,519-7,549,521, TCG duplicated; duplicating any 3 consecutive bases within chr17:7,549,517-7,549,521 gives the same sequence; the c. name uses the placement nearest the transcript's 3' end. VCF-style (leftmost placement, unchanged base first): chr17-7549516-C-CCGT. GRCh37 (hg19) VCF-style: chr17-7452833-C-CCGT.
Other names: c.205_207dupTCG (NM_003809.2); c.205_207dup, p.Ser69_Glu70insSer (NM_172089.4).
Identifiers: ClinVar variation 568170 (VCV000568170.9), dbSNP rs753259588, ClinGen allele CA8350710.

ClinVar aggregate classification (germline): Uncertain significance (1 of 4 stars; one submission).

Conditions:
Common variable immunodeficiency (CVID). Also called: Common variable hypogamma-globulinemia; Common variable agammaglobulinemia. Identifiers: Orphanet 1572, MedGen C0009447, MONDO:0015517.

Submission:

Labcorp Genetics (formerly Invitae), Labcorp
Classification: Uncertain significance for Common variable immunodeficiency. Last evaluated: 2020-02-24. Review status: criteria provided, single submitter. Criteria: Invitae Variant Classification Sherloc (09022015). Collection method: clinical testing. Allele origin: germline.
Comment: In summary, the available evidence is currently insufficient to determine the role of this variant in disease. Therefore, it has been classified as a Variant of Uncertain Significance. Algorithms developed to predict the effect of sequence changes on RNA splicing suggest that this variant may create or strengthen a splice site, but this prediction has not been confirmed by published transcriptional studies. This variant has not been reported in the literature in individuals with TNFSF12-related disease. The frequency data for this variant in the population databases is considered unreliable, as metrics indicate poor data quality at this position in the ExAC database. This variant, c.205_207dupTCG, results in the insertion of 1 amino acid(s) to the TNFSF12 protein (p.Ser69dup), but otherwise preserves the integrity of the reading frame.